The following is an entry in ClinVar:

ClinVar aggregate classification (germline): Uncertain significance (1 of 4 stars; one submission).

Allele frequency attached by ClinVar (database versions not stated): gnomAD 0.00001; gnomAD exomes 0.00001; TOPMed 0.00001.
gnomAD v4.1: 14 of 1,613,974 alleles (0.00087%); highest among the groups gnomAD compares: Non-Finnish European, 0.0012%; no homozygotes.

Submission:

Labcorp Genetics (formerly Invitae), Labcorp
Classification: Uncertain significance. Last evaluated: 2024-03-27. Review status: criteria provided, single submitter. Criteria: Invitae Variant Classification Sherloc (09022015). Collection method: clinical testing. Allele origin: germline.
Comment: This sequence change replaces proline, which is neutral and non-polar, with threonine, which is neutral and polar, at codon 1252 of the COL7A1 protein (p.Pro1252Thr). This variant is present in population databases (no rsID available, gnomAD 0.0009%). This variant has not been reported in the literature in individuals affected with COL7A1-related conditions. Advanced modeling of protein sequence and biophysical properties (such as structural, functional, and spatial information, amino acid conservation, physicochemical variation, residue mobility, and thermodynamic stability) has been performed at Invitae for this missense variant, however the output from this modeling did not meet the statistical confidence thresholds required to predict the impact of this variant on COL7A1 protein function. In summary, the available evidence is currently insufficient to determine the role of this variant in disease. Therefore, it has been classified as a Variant of Uncertain Significance.

NM_000094.4(COL7A1):c.3754C>A (p.Pro1252Thr)

Gene: COL7A1 (collagen type VII alpha 1 chain; minus strand). Cytogenetic location: 3p21.31.
Variant type: single nucleotide variant.
Coding change: c.3754C>A on transcript NM_000094.4 (MANE Select); coding-DNA position 3754, C replaced by A.
Protein change: p.Pro1252Thr; replaces proline 1252 with threonine.
Molecular consequence: missense variant.
Genome position (GRCh38, 1-based): chr3:48,585,945, G>T on the plus strand (C>A on the coding strand, the complement: COL7A1 is on the minus strand). VCF-style: chr3-48585945-G-T. GRCh37 (hg19) VCF-style: chr3-48623378-G-T.
Other names: short protein forms P1252T.
Identifiers: ClinVar variation 2955650 (VCV002955650.3), dbSNP rs1283781441, ClinGen allele CA352702266.